The following is an entry in ClinVar:

ClinVar aggregate classification (germline): Uncertain significance (1 of 4 stars; one submission).

Conditions:
DICER1-related tumor predisposition. Also called: DICER1 syndrome; DICER1-related pleuropulmonary blastoma cancer predisposition syndrome. Identifiers: Orphanet 284343, MedGen C3839822, MONDO:0100216.

Submission:

Labcorp Genetics (formerly Invitae), Labcorp
Classification: Uncertain significance for DICER1-related tumor predisposition. Last evaluated: 2016-02-25. Review status: criteria provided, single submitter. Criteria: Invitae Variant Classification Sherloc (09022015). Collection method: clinical testing. Allele origin: germline.
Comment: This sequence change replaces serine with cysteine at codon 1625 of the DICER1 protein (p.Ser1625Cys). The serine residue is weakly conserved and there is a moderate physicochemical difference between serine and cysteine. This variant is not present in population databases (ExAC no frequency) and has not been reported in the literature in individuals with a DICER1-related disease. In summary, this is a novel missense change that is not predicted to affect protein function. There is no indication that it causes disease, but the available evidence is currently insufficient to prove that conclusively. It has been classified as a Variant of Uncertain Significance. The cysteine amino acid residue is found in multiple mammalian species, suggesting that this missense change does not adversely affect protein function. In addition, algorithms developed to predict the effect of missense changes on protein structure and function (SIFT, PolyPhen-2, Align-GVGD) all suggest that this variant is likely to be tolerated, but these predictions have not been confirmed by published functional studies.

NM_177438.3(DICER1):c.4874C>G (p.Ser1625Cys)

Gene: DICER1 (dicer 1, ribonuclease III; minus strand). Cytogenetic location: 14q32.13.
Variant type: single nucleotide variant.
Coding change: c.4874C>G on transcript NM_177438.3 (MANE Select); coding-DNA position 4874, C replaced by G.
Protein change: p.Ser1625Cys; replaces serine 1625 with cysteine.
Molecular consequence: missense variant.
Genome position (GRCh38, 1-based): chr14:95,096,046, G>C on the plus strand (C>G on the coding strand, the complement: DICER1 is on the minus strand). VCF-style: chr14-95096046-G-C. GRCh37 (hg19) VCF-style: chr14-95562383-G-C.
Other names: c.4874C>G, p.Ser1625Cys (NM_001195573.1, NM_001271282.3, NM_001291628.2 and 1 more transcripts); short protein forms S1625C.
Identifiers: ClinVar variation 242124 (VCV000242124.10), dbSNP rs864622653, ClinGen allele CA10583189.